The following is an entry in ClinVar:

ClinVar aggregate classification (germline): Uncertain significance (1 of 4 stars; one submission).

Conditions:
Cholestanol storage disease (CTX). Also called: CEREBRAL CHOLESTERINOSIS; Cerebrotendinous Xanthomatosis; CTX: Cerebrotendinous xanthomatosis. Identifiers: Orphanet 909, MedGen C0238052, MONDO:0008948, OMIM 213700.

Submission:

Labcorp Genetics (formerly Invitae), Labcorp
Classification: Uncertain significance for Cholestanol storage disease. Last evaluated: 2024-12-02. Review status: criteria provided, single submitter. Criteria: Invitae Variant Classification Sherloc (09022015). Collection method: clinical testing. Allele origin: germline.
Comment: This sequence change replaces phenylalanine, which is neutral and non-polar, with cysteine, which is neutral and slightly polar, at codon 464 of the CYP27A1 protein (p.Phe464Cys). This variant is not present in population databases (gnomAD no frequency). This variant has not been reported in the literature in individuals affected with CYP27A1-related conditions. ClinVar contains an entry for this variant (Variation ID: 1524126). Invitae Evidence Modeling of protein sequence and biophysical properties (such as structural, functional, and spatial information, amino acid conservation, physicochemical variation, residue mobility, and thermodynamic stability) indicates that this missense variant is expected to disrupt CYP27A1 protein function with a positive predictive value of 95%. In summary, the available evidence is currently insufficient to determine the role of this variant in disease. Therefore, it has been classified as a Variant of Uncertain Significance.

NM_000784.4(CYP27A1):c.1391T>G (p.Phe464Cys)

Gene: CYP27A1 (cytochrome P450 family 27 subfamily A member 1; plus strand). Cytogenetic location: 2q35.
Variant type: single nucleotide variant.
Coding change: c.1391T>G on transcript NM_000784.4 (MANE Select); coding-DNA position 1391, T replaced by G.
Protein change: p.Phe464Cys; replaces phenylalanine 464 with cysteine.
Molecular consequence: missense variant.
Genome position (GRCh38, 1-based): chr2:218,814,672, T>G. VCF-style: chr2-218814672-T-G. GRCh37 (hg19) VCF-style: chr2-219679395-T-G.
Other names: short protein forms F464C.
Identifiers: ClinVar variation 1524126 (VCV001524126.7), dbSNP rs2105981257, ClinGen allele CA350594798.
Genomic context (GRCh38, chr2:218,814,672, plus strand): 5'-TCCAGCCCCACCGCTGGCTGAGAAACAGCCAGCCTGCTACCCCCAGGATCCAGCACCCAT[T>G]TGGCTCTGTGCCCTTTGGCTATGGGGTCCGGGCCTGCCTGGGCCGCAGGATTGCAGAGCT-3'
Protein context (NP_000775.1, residues 454-474): QPATPRIQHP[Phe464Cys]GSVPFGYGVR